The following is an entry in ClinVar:

NM_004415.4(DSP):c.7205G>C (p.Ser2402Thr)

Gene: DSP (desmoplakin; plus strand). Cytogenetic location: 6p24.3.
Variant type: single nucleotide variant.
Coding change: c.7205G>C on transcript NM_004415.4 (MANE Select); coding-DNA position 7205, G replaced by C.
Protein change: p.Ser2402Thr; replaces serine 2402 with threonine.
Molecular consequence: missense variant.
Genome position (GRCh38, 1-based): chr6:7,584,467, G>C. VCF-style: chr6-7584467-G-C. GRCh37 (hg19) VCF-style: chr6-7584700-G-C.
Other names: c.5408G>C, p.Ser1803Thr (NM_001008844.3); c.5876G>C, p.Ser1959Thr (NM_001319034.2); short protein forms S1959T, S2402T, S1803T.
Identifiers: ClinVar variation 1757685 (VCV001757685.4), dbSNP rs1199008500, ClinGen allele CA362692473.

ClinVar aggregate classification (germline): Conflicting classifications of pathogenicity. Review status: criteria provided, conflicting classifications (1 of 4 stars). 2 submissions from 2 submitters: Uncertain significance (1); Likely benign (1). Last evaluated 2024-03-19.

Conditions:
Cardiovascular phenotype. Identifiers: MedGen CN230736.
Arrhythmogenic cardiomyopathy with wooly hair and keratoderma. Also called: PALMOPLANTAR KERATODERMA WITH LEFT VENTRICULAR CARDIOMYOPATHY AND WOOLLY HAIR; Carvajal syndrome; Dilated cardiomyopathy with woolly hair and keratoderma; Arrhythmogenic cardiomyopathy with woolly hair and keratoderma. Identifiers: Orphanet 65282, MedGen C1854063, MONDO:0011581, OMIM 605676.
Arrhythmogenic right ventricular dysplasia 8 (ARVD8). Also called: Arrhythmogenic Right Ventricular Dysplasia/Cardiomyopathy 8; ARRHYTHMOGENIC RIGHT VENTRICULAR DYSPLASIA, FAMILIAL, 8; ARRHYTHMOGENIC RIGHT VENTRICULAR CARDIOMYOPATHY 8. Identifiers: MedGen C1843896, MONDO:0011831, OMIM 607450.

Allele frequency attached by ClinVar (database versions not stated): gnomAD exomes 0.00001.
gnomAD v4.1: 8 of 1,614,180 alleles (0.0005%); highest among the groups gnomAD compares: South Asian, 0.0088%; no homozygotes.

Submissions (2):

Labcorp Genetics (formerly Invitae), Labcorp
Classification: Likely benign for Arrhythmogenic cardiomyopathy with wooly hair and keratoderma; Arrhythmogenic right ventricular dysplasia 8. Last evaluated: 2024-03-19. Review status: criteria provided, single submitter. Criteria: Invitae Variant Classification Sherloc (09022015). Collection method: clinical testing. Allele origin: germline.

Ambry Genetics
Classification: Uncertain significance for Cardiovascular phenotype. Last evaluated: 2022-09-16. Review status: criteria provided, single submitter. Criteria: Ambry Variant Classification Scheme 2023. Collection method: clinical testing. Allele origin: germline.
Comment: The p.S2402T variant (also known as c.7205G>C), located in coding exon 24 of the DSP gene, results from a G to C substitution at nucleotide position 7205. The serine at codon 2402 is replaced by threonine, an amino acid with similar properties. This amino acid position is conserved. In addition, this alteration is predicted to be tolerated by in silico analysis. Since supporting evidence is limited at this time, the clinical significance of this alteration remains unclear.